The following is an entry in ClinVar:

ClinVar aggregate classification (germline): Conflicting classifications of pathogenicity. Review status: criteria provided, conflicting classifications (1 of 4 stars). 2 submissions from 2 submitters: Uncertain significance (1); Likely benign (1). Last evaluated 2025-07-24.

Allele frequency attached by ClinVar (database versions not stated): TOPMed below 0.00001; ExAC 0.00001; gnomAD exomes 0.00001.
gnomAD v4.1: 18 of 1,612,674 alleles (0.0011%); highest among the groups gnomAD compares: Admixed American, 0.0017%; no homozygotes.

Submissions (2):

Molecular Diagnostic Laboratory for Inherited Cardiovascular Disease, Montreal Heart Institute
Classification: Likely benign. Last evaluated: 2025-07-24. Review status: criteria provided, single submitter. Criteria: ACMG Guidelines, 2015. Collection method: clinical testing. Allele origin: germline. Affected: no.
Comment: BP1

Revvity Omics, Revvity
Classification: Uncertain significance. Last evaluated: 2020-03-19. Review status: criteria provided, single submitter. Criteria: ACMG Guidelines, 2015. Collection method: clinical testing. Allele origin: germline.

NM_001267550.2(TTN):c.54031A>G (p.Thr18011Ala)

Genes: TTN (titin; minus strand), TTN-AS1 (TTN antisense RNA 1; plus strand). Cytogenetic location: 2q31.2.
Variant type: single nucleotide variant.
Coding change: c.54031A>G on transcript NM_001267550.2 (MANE Select); coding-DNA position 54031, A replaced by G.
Protein change: p.Thr18011Ala; replaces threonine 18011 with alanine.
Molecular consequence: missense variant. On other transcripts: non-coding transcript variant (1).
Genome position (GRCh38, 1-based): chr2:178,605,146, T>C on the plus strand (A>G on the coding strand, the complement: TTN is on the minus strand). VCF-style: chr2-178605146-T-C. GRCh37 (hg19) VCF-style: chr2-179469873-T-C.
Other names: c.49108A>G, p.Thr16370Ala (NM_001256850.1); c.26836A>G, p.Thr8946Ala (NM_003319.4); c.46327A>G, p.Thr15443Ala (NM_133378.4); c.27211A>G, p.Thr9071Ala (NM_133432.3); c.27412A>G, p.Thr9138Ala (NM_133437.4); short protein forms T15443A, T16370A, T18011A, T8946A, T9071A, T9138A.
Identifiers: ClinVar variation 2438088 (VCV002438088.4), dbSNP rs766446275, ClinGen allele CA1993711.
Genomic context (GRCh38, chr2:178,605,146, plus strand): 5'-TAAGCTCAGTTTTTGCCTCACTTCGGGATACCTCTTCCTTGGTTATCTGAAGTGCATCAG[T>C]GGGTTTTTCAATTACAGTTTCATTTTTGGACCATTCAATCTTAGGCATTGGAAGGCCTGT-3'
Protein context (NP_001254479.2, residues 18001-18021): SKNETVIEKP[Thr18011Ala]DALQITKEEV